The following is an entry in ClinVar:

NM_001003699.4(RREB1):c.4578G>C (p.Thr1526=)

Gene: RREB1 (ras responsive element binding protein 1; plus strand). Cytogenetic location: 6p24.3.
Variant type: single nucleotide variant.
Coding change: c.4578G>C on transcript NM_001003699.4 (MANE Select); coding-DNA position 4578, G replaced by C.
Protein change: p.Thr1526=; no amino-acid change (threonine 1526 retained).
Molecular consequence: synonymous variant. On other transcripts: intron variant (1).
Genome position (GRCh38, 1-based): chr6:7,247,028, G>C. VCF-style: chr6-7247028-G-C. GRCh37 (hg19) VCF-style: chr6-7247261-G-C.
Other names: c.4413G>C, p.Thr1471= (NM_001003698.4, NM_001168344.2); c.3974-1483G>C (NM_001003700.2).
Identifiers: ClinVar variation 790575 (VCV000790575.6), dbSNP rs148742062, ClinGen allele CA3626511.
Genomic context (GRCh38, chr6:7,247,028, plus strand): 5'-GGTGGTGGAGTCGGCCCCGGGTGCCGGGGAGGCCCCGGCGGAAAAGCTCGCGGAGGAGAC[G>C]GAGGGCCCCTCCGACGGGGAGAGCGCGGCCGAGAAAAGGTCCTCAGAGAAGAGCGACGAT-3'
Protein context (NP_001003699.1, residues 1516-1536): EAPAEKLAEE[Thr1526=]EGPSDGESAA

ClinVar aggregate classification (germline): Likely benign. Review status: criteria provided, multiple submitters, no conflicts (2 of 4 stars). 3 submissions from 3 submitters: Likely benign (2). 1 of the submissions does not count toward it. Last evaluated 2018-04-06.

Conditions:
RREB1-related disorder. Also called: RREB1-related condition.

Allele frequency attached by ClinVar (database versions not stated): 1000 Genomes Project 30x 0.00031; TOPMed 0.00038; ESP Exome Variant Server 0.00039; gnomAD 0.00042.
gnomAD v4.1: 92 of 1,611,476 alleles (0.0057%); highest among the groups gnomAD compares: African/African-American, 0.12%; no homozygotes.

Submissions (3):

Labcorp Genetics (formerly Invitae), Labcorp
Classification: Likely benign. Last evaluated: 2018-04-06. Review status: criteria provided, single submitter. Criteria: Invitae Variant Classification Sherloc (09022015). Collection method: clinical testing. Allele origin: germline.

Breakthrough Genomics
Classification: Likely benign. Review status: criteria provided, single submitter. Criteria: ACMG Guidelines, 2015. Collection method: not provided. Allele origin: germline. Inheritance: Unknown mechanism. Affected: yes.

PreventionGenetics, part of Exact Sciences
Classification: Likely benign for RREB1-related condition. Last evaluated: 2019-04-01. Review status: no assertion criteria provided. Collection method: clinical testing. Allele origin: germline. Not counted in ClinVar's aggregate classification.
Comment: This variant is classified as likely benign based on ACMG/AMP sequence variant interpretation guidelines (Richards et al. 2015 PMID: 25741868, with internal and published modifications).